The following is an entry in ClinVar:

ClinVar aggregate classification (germline): Conflicting classifications of pathogenicity. Review status: criteria provided, conflicting classifications (1 of 4 stars). 5 submissions from 5 submitters: Uncertain significance (1); Benign (1); Likely benign (3). Last evaluated 2024-12-30.

Conditions:
Hereditary nonpolyposis colorectal neoplasms. Identifiers: MedGen C0009405, MeSH D003123.
Hereditary cancer-predisposing syndrome. Also called: Hereditary Cancer Syndrome; Hereditary neoplastic syndrome; Neoplastic Syndromes, Hereditary; Tumor predisposition. Identifiers: Orphanet 140162, MedGen C0027672, MeSH D009386, MONDO:0015356.
Lynch syndrome 5 (LYNCH5). Also called: Hereditary non-polyposis colorectal cancer, type 5; Colorectal cancer, hereditary nonpolyposis, type 5. Identifiers: Orphanet 144, MedGen C1833477, MONDO:0013710, OMIM 614350. Disease mechanism: loss of function.

Allele frequency attached by ClinVar (database versions not stated): TOPMed below 0.00001; gnomAD 0.00001.
gnomAD v4.1: 2 of 1,614,040 alleles (0.00012%); highest among the groups gnomAD compares: African/African-American, 0.0027%; no homozygotes.

Submissions (5):

Myriad Genetics, Inc.
Classification: Benign for Lynch syndrome 5. Last evaluated: 2024-12-30. Review status: criteria provided, single submitter. Criteria: Myriad Autosomal Dominant, Autosomal Recessive and X-Linked Classification Criteria (2023). Collection method: clinical testing. Allele origin: unknown.
Comment: This variant is considered benign. This variant is a silent/synonymous amino acid change and it is not expected to impact splicing.

Labcorp Genetics (formerly Invitae), Labcorp
Classification: Likely benign for Hereditary nonpolyposis colorectal neoplasms. Last evaluated: 2023-04-13. Review status: criteria provided, single submitter. Criteria: Invitae Variant Classification Sherloc (09022015). Collection method: clinical testing. Allele origin: germline.

Quest Diagnostics Nichols Institute San Juan Capistrano
Classification: Uncertain significance. Last evaluated: 2021-08-04. Review status: criteria provided, single submitter. Criteria: Quest Diagnostics criteria. Collection method: clinical testing. Allele origin: unknown.

Ambry Genetics
Classification: Likely benign for Hereditary cancer-predisposing syndrome. Last evaluated: 2017-09-08. Review status: criteria provided, single submitter. Criteria: Ambry Variant Classification Scheme 2023. Collection method: clinical testing. Allele origin: germline.

GeneDx
Classification: Likely benign. Last evaluated: 2016-09-26. Review status: criteria provided, single submitter. Criteria: GeneDx Variant Classification (06012015). Collection method: clinical testing. Allele origin: germline. Affected: yes.
Comment: This variant is considered likely benign or benign based on one or more of the following criteria: it is a conservative change, it occurs at a poorly conserved position in the protein, it is predicted to be benign by multiple in silico algorithms, and/or has population frequency not consistent with disease.

NM_000179.3(MSH6):c.2101T>C (p.Leu701=)

Gene: MSH6 (mutS homolog 6; plus strand). Cytogenetic location: 2p16.3.
Variant type: single nucleotide variant.
Coding change: c.2101T>C on transcript NM_000179.3 (MANE Select); coding-DNA position 2101, T replaced by C.
Protein change: p.Leu701=; no amino-acid change (leucine 701 retained).
Molecular consequence: synonymous variant.
Genome position (GRCh38, 1-based): chr2:47,800,084, T>C. VCF-style: chr2-47800084-T-C. GRCh37 (hg19) VCF-style: chr2-48027223-T-C.
Other names: c.1711T>C, p.Leu571= (NM_001281492.2); c.1195T>C, p.Leu399= (NM_001281493.2, NM_001281494.2).
Identifiers: ClinVar variation 389671 (VCV000389671.15), dbSNP rs1057523503, ClinGen allele CA16604586.